The following continues an entry in ClinVar:

NM_001267550.2(TTN):c.95195C>T (p.Pro31732Leu)

ClinVar aggregate classification (germline): Pathogenic/Likely pathogenic. Pathogenic (11); Likely pathogenic (8).

Submissions 6 to 20 of 20:

Ambry Genetics
Classification: Likely pathogenic for Cardiovascular phenotype. Last evaluated: 2024-07-24. Review status: criteria provided, single submitter. Criteria: Ambry Variant Classification Scheme 2023. Collection method: clinical testing. Allele origin: germline.
Comment: The p.P22667L variant (also known as c.68000C>T), located in coding exon 170 of the TTN gene, results from a C to T substitution at nucleotide position 68000. The proline at codon 22667 is replaced by leucine, an amino acid with similar properties. This variant (also referred to as p.P31732L and p.P30091L) has been detected in the homozygous and heterozygous states, including a de novo occurrence, in individuals with skeletal muscle and/or respiratory issues consistent with hereditary myopathy with early respiratory failure (HMERF). Homozygous individuals tended to be more severely affected, and not all heterozygous individuals were affected, suggesting this variant exhibits variable expressivity and reduced penetrance (Vasli N et al. Acta Neuropathol., 2012 Aug;124:273-83; Yue D et al. Neuromuscul. Disord., 2015 Feb;25:172-6; Palmio J et al. J Neurol Neurosurg Psychiatry, 2014 Mar;85:345-53; Pfeffer G et al. J. Neurol. Neurosurg. Psychiatry, 2014 Mar;85:331-8; Cerino M et al. Muscle Nerve, 2017 Nov;56:993-997; Savarese M et al. J Neuromuscul Dis, 2020;7:153-166; Rees M et al. Acta Neuropathol, 2021 Mar;141:431-453; Cerino M et al. Genes (Basel), 2022 Jun;13; Liang H et al. Heliyon. 2024 Apr;10(8):e29637). Functional studies suggest this variant may be destabilizing and impact protein folding (Hedberg C et al. Neuromuscul. Disord. 2014 May;24(5):373-9; Rees M et al. Acta Neuropathol, 2021 Mar;141:431-453). This amino acid position is highly conserved in available vertebrate species. In addition, this alteration is predicted to be deleterious by in silico analysis. Based on the supporting evidence, this alteration is likely pathogenic for hereditary myopathy with early respiratory failure; however, the association of this alteration with cardiomyopathy is unknown.

Genomic Medicine Center of Excellence, King Faisal Specialist Hospital and Research Centre
Classification: Likely pathogenic for Dilated cardiomyopathy 1G. Last evaluated: 2024-03-25. Review status: criteria provided, single submitter. Criteria: ACMG Guidelines, 2015. Collection method: research. Allele origin: germline.

Muscle and Diseases Team, Institut de Génétique et Biologie Moléculaire et Cellulaire
Classification: Likely pathogenic for Hereditary inclusion-body myopathy. Last evaluated: 2024-03-01. Review status: criteria provided, single submitter. Criteria: ACMG Guidelines, 2015. Collection method: research. Allele origin: unknown. Affected: yes. Observed: 1 variant allele.
Comment: PM1+PM2+PP1+PP2+PP3

Women's Health and Genetics/Laboratory Corporation of America, LabCorp
Classification: Pathogenic for Primary familial dilated cardiomyopathy. Last evaluated: 2024-01-09. Review status: criteria provided, single submitter. Criteria: LabCorp Variant Classification Summary - May 2015. Collection method: clinical testing. Allele origin: germline.
Comment: Variant summary: TTN c.87491C>T (p.Pro29164Leu) results in a non-conservative amino acid change located in the A-band domain of the encoded protein sequence. Four of four in-silico tools predict a damaging effect of the variant on protein function. The variant allele was found at a frequency of 1.2e-05 in 248136 control chromosomes (gnomAD). c.87491C>T has been reported in the literature in multiple individuals with characteristic features of hereditary myopathy with early respiratory failure (Palmio_2013, Yue_2014, Hedberg_2014, Cerino_2022). These data indicate that the variant is very likely to be associated with disease. At least one publication reports experimental evidence evaluating an impact on protein function and this variant results in impaired protein solubility (Hedberg_2014). The following publications have been ascertained in the context of this evaluation (PMID: 35741838, 24231549, 23606733, 25500009). ClinVar contains an entry for this variant (Variation ID: 132137). Based on the evidence outlined above, the variant was classified as pathogenic.

Athena Diagnostics
Classification: Likely pathogenic. Last evaluated: 2023-11-17. Review status: criteria provided, single submitter. Criteria: Athena Diagnostics Criteria. Collection method: clinical testing. Allele origin: unknown.
Comment: The frequency of this variant in the general population is consistent with pathogenicity. (Genome Aggregation Database (gnomAD), Cambridge, MA (URL)) This variant has been identified in multiple unrelated individuals with hereditary myopathy with early respiratory failure (HMERF). Variable expressivity and reduced penetrance was also reported. Assessment of experimental evidence regarding the effect of this variant on protein function is inconclusive. Results were insufficient to demonstrate an effect on protein function related to disease. (PMID: 24636144, 33449170) This variant is also referred to as p.Pro22859Leu or p.Pro30091Leu in published literature.

Neuberg Centre For Genomic Medicine, NCGM
Classification: Pathogenic for Myopathy, myofibrillar, 9, with early respiratory failure. Last evaluated: 2023-06-22. Review status: criteria provided, single submitter. Criteria: ACMG Guidelines, 2015. Collection method: clinical testing. Allele origin: germline. Inheritance: Autosomal dominant inheritance. Affected: yes.
Comment: The missense variant c.95195C>T p.Pro31732Leu in the TTN gene has been reported previously in heterozygous state in individuals affected with Hereditary myopathy with early respiratory failure. Experimental studies have shown that this missense change affects TTN function Algahtani et al., 2019; Hedberg et al., 2014. This variant is located in the A band of TTN. Variants in this region may be relevant for cardiac or neuromuscular disorders Roberts et al., 2015; Ceyhan-Birsoy et al., 2013. This variant is reported with the allele frequency 0.001% in the gnomAD Exomes. It is submitted to ClinVar as Pathogenic/ Likely pathogenic. The amino acid Pro at position 31732 is changed to a Leu changing protein sequence and it might alter its composition and physico-chemical properties. Computational evidence Polyphen, SIFT and MutationTaster predicts conflicting evidence on protein structure and function for this variant. The reference amino acid change at this position on the TTN is predicted as conserved by GERP++ and PhyloP across 100 vertebrates. For these reasons, this variant has been classified as Pathogenic.

Revvity Omics, Revvity
Classification: Pathogenic. Last evaluated: 2023-04-01. Review status: criteria provided, single submitter. Criteria: ACMG Guidelines, 2015. Collection method: clinical testing. Allele origin: germline.

GeneDx
Classification: Pathogenic. Last evaluated: 2023-03-22. Review status: criteria provided, single submitter. Criteria: GeneDx Variant Classification Process June 2021. Collection method: clinical testing. Allele origin: germline. Affected: yes.
Comment: Identified in a patient with Lambert-Eaton Myasthenic Syndrome (LEMS) who also harbored a pathogenic variant in the CACNA1S gene (Cerino et al., 2022); Not observed at significant frequency in large population cohorts (gnomAD); Published functional studies indicates this variant results in an insoluble protein due to improper folding (Hedburg et al., 2014); In silico analysis supports that this missense variant has a deleterious effect on protein structure/function; This variant is associated with the following publications: (PMID: 22526018, 25500009, 23486992, 23446887, 34839411, 24636144, 35741838, 32039858, 34670883)

AiLife Diagnostics
Classification: Likely pathogenic. Last evaluated: 2021-12-14. Review status: criteria provided, single submitter. Criteria: ACMG Guidelines, 2015. Collection method: clinical testing. Allele origin: germline. Affected: yes. Observed: 1 variant allele.

Fulgent Genetics
Classification: Pathogenic for Tibial muscular dystrophy; Myopathy, myofibrillar, 9, with early respiratory failure; Dilated cardiomyopathy 1G; Autosomal recessive limb-girdle muscular dystrophy type 2J; Early-onset myopathy with fatal cardiomyopathy; Hypertrophic cardiomyopathy 9. Last evaluated: 2021-08-14. Review status: criteria provided, single submitter. Criteria: ACMG Guidelines, 2015. Collection method: clinical testing. Allele origin: unknown.

Institute of Medical Genetics and Applied Genomics, University Hospital Tübingen
Classification: Likely pathogenic. Last evaluated: 2020-10-23. Review status: criteria provided, single submitter. Criteria: ACMG Guidelines, 2015. Collection method: clinical testing. Allele origin: germline. Inheritance: Autosomal unknown. Affected: yes.

Blueprint Genetics
Classification: Likely pathogenic for TTN-related disorders. Last evaluated: 2020-07-08. Review status: criteria provided, single submitter. Criteria: ACMG Guidelines, 2015. Collection method: clinical testing. Allele origin: germline. Affected: yes. Observed: 2 variant alleles.

CeGaT Center for Human Genetics Tuebingen
Classification: Pathogenic. Last evaluated: 2018-12-01. Review status: criteria provided, single submitter. Criteria: CeGaT Center For Human Genetics Tuebingen Variant Classification Criteria Version 2. Collection method: clinical testing. Allele origin: germline. Affected: yes. Observed: 1 variant allele.

Eurofins Ntd Llc (ga)
Classification: Pathogenic. Last evaluated: 2017-12-03. Review status: criteria provided, single submitter. Criteria: EGL Classification Definitions 2015. Collection method: clinical testing. Allele origin: germline. Observed: 1 variant allele, 1 heterozygote.

GeneReviews
No classification provided. Condition: Myopathy, myofibrillar, 9, with early respiratory failure. Review status: no classification provided. Collection method: literature only. Allele origin: germline. Not counted in ClinVar's aggregate classification.

Literature cited by the submitters: PubMed 22526018 (cited by 5 submitters); PubMed 23486992 (cited by 6 submitters); PubMed 23606733 (cited by 7 submitters); PubMed 25500009 (cited by 7 submitters); PubMed 24636144 (cited by 6 submitters); PubMed 25589632 (cited by Labcorp Genetics (formerly Invitae), Labcorp and Victorian Clinical Genetics Services, Murdoch Childrens Research Institute); PubMed 23975875 (cited by Labcorp Genetics (formerly Invitae), Labcorp); PubMed 33449170 (cited by 4 submitters); PubMed 28256728 (cited by 3 submitters); PubMed 34670883 (cited by Victorian Clinical Genetics Services, Murdoch Childrens Research Institute and Athena Diagnostics); PubMed 34839411 (cited by Victorian Clinical Genetics Services, Murdoch Childrens Research Institute and Athena Diagnostics); PubMed 35741838 (cited by 4 submitters); PubMed 24231549 (cited by 3 submitters); PubMed 32039858 (cited by 3 submitters); PubMed 38655354 (cited by Ambry Genetics); DOI 10.1186/s13073-024-01353-0 (cited by Muscle and Diseases Team, Institut de Génétique et Biologie Moléculaire et Cellulaire); PubMed 30365001 (cited by Athena Diagnostics); PubMed 23446887 (cited by Athena Diagnostics); PubMed 28781516 (cited by Athena Diagnostics); PubMed 25253871 (cited by Athena Diagnostics); PubMed 24578547 (cited by Athena Diagnostics); PubMed 24569025 (cited by Athena Diagnostics); PubMed 24271327 (cited by Athena Diagnostics); PubMed 24575448 (cited by GeneReviews).